The following is an entry in ClinVar:

ClinVar aggregate classification (germline): Pathogenic/Likely pathogenic. Review status: criteria provided, multiple submitters, no conflicts (2 of 4 stars). 2 submissions from 2 submitters: Pathogenic (1); Likely pathogenic (1). Last evaluated 2024-04-22.

Conditions:
Zellweger spectrum disorders (ZS). Also called: Zellweger syndrome; Zellweger Spectrum Disorder; Zellweger Spectrum; Zellweger Spectrum Disorder (ZSD). Identifiers: Orphanet 912, MedGen C0043459, MONDO:0019609.
Peroxisome biogenesis disorder 1B (PBD1B). Also called: PEROXISOME BIOGENESIS DISORDER (NEONATAL ADRENOLEUKODYSTROPHY/INFANTILE REFSUM DISEASE); INFANTILE PHYTANIC ACID STORAGE DISEASE; PEROXISOME BIOGENESIS DISORDER (NALD/IRD); ADRENOLEUKODYSTROPHY, AUTOSOMAL NEONATAL; Refsum disease, infantile form; Infantile Refsum disease. Identifiers: Orphanet 44, MedGen C0282527, MONDO:0011101, OMIM 601539.
Peroxisome biogenesis disorder 1A (Zellweger) (PBD1A). Also called: Peroxisome biogenesis disorder 1a; Zellweger leukodystrophy. Identifiers: MedGen C4721541, MONDO:0008953, OMIM 214100.
Heimler syndrome 1 (HMLR1). Also called: PEROXISOME BIOGENESIS DISORDER 1C. Identifiers: Orphanet 3220, MedGen C4551980, OMIM 234580, MONDO:0024544.

Submissions (2):

Fulgent Genetics
Classification: Likely pathogenic for Peroxisome biogenesis disorder 1A (Zellweger); Heimler syndrome 1; Peroxisome biogenesis disorder 1B. Last evaluated: 2024-04-22. Review status: criteria provided, single submitter. Criteria: ACMG Guidelines, 2015. Collection method: clinical testing. Allele origin: germline.

Labcorp Genetics (formerly Invitae), Labcorp
Classification: Pathogenic for Zellweger spectrum disorders. Last evaluated: 2023-04-14. Review status: criteria provided, single submitter. Criteria: Invitae Variant Classification Sherloc (09022015). Collection method: clinical testing. Allele origin: germline.
Comment: This sequence change creates a premature translational stop signal (p.Thr475Profs*6) in the PEX1 gene. It is expected to result in an absent or disrupted protein product. Loss-of-function variants in PEX1 are known to be pathogenic (PMID: 9398847, 16086329, 16141001, 21031596, 26387595, 31831025). This variant is not present in population databases (gnomAD no frequency). This variant has not been reported in the literature in individuals affected with PEX1-related conditions. For these reasons, this variant has been classified as Pathogenic.

Literature cited by the submitters: PubMed 9398847 (cited by Labcorp Genetics (formerly Invitae), Labcorp); PubMed 16086329 (cited by Labcorp Genetics (formerly Invitae), Labcorp); PubMed 16141001 (cited by Labcorp Genetics (formerly Invitae), Labcorp); PubMed 21031596 (cited by Labcorp Genetics (formerly Invitae), Labcorp); PubMed 26387595 (cited by Labcorp Genetics (formerly Invitae), Labcorp); PubMed 31831025 (cited by Labcorp Genetics (formerly Invitae), Labcorp).

NM_000466.3(PEX1):c.1422_1425del (p.Thr475fs)

Gene: PEX1 (peroxisomal biogenesis factor 1; minus strand). Cytogenetic location: 7q21.2.
Variant type: Deletion.
Coding change: c.1422_1425del on transcript NM_000466.3 (MANE Select); coding-DNA positions 1422 to 1425, 4 bases deleted (TACC; older notation c.1422_1425delTACC).
Protein change: p.Thr475fs; shifts the reading frame from threonine 475.
Molecular consequence: frameshift variant.
Genome position (GRCh38, 1-based): chr7:92,511,638-92,511,641, GGTA deleted on the plus strand (TACC on the coding strand, the reverse complement: PEX1 is on the minus strand); deleting any 4 consecutive bases within chr7:92,511,638-92,511,642 gives the same sequence; the c. name uses the placement nearest the transcript's 3' end. VCF-style (leftmost placement, unchanged base first): chr7-92511637-TGGTA-T. GRCh37 (hg19) VCF-style: chr7-92140951-TGGTA-T.
Other names: c.1422_1425del, p.Thr475fs (NM_001282677.2); c.798_801del, p.Thr267fs (NM_001282678.2); short protein forms T267fs, T475fs.
Identifiers: ClinVar variation 2856131 (VCV002856131.4), dbSNP rs2484687585, ClinGen allele CA2739265475.